The following is an entry in ClinVar:

NM_002180.3(IGHMBP2):c.2355G>A (p.Arg785=)

Gene: IGHMBP2 (immunoglobulin mu DNA binding protein 2; plus strand). Cytogenetic location: 11q13.3.
Variant type: single nucleotide variant.
Coding change: c.2355G>A on transcript NM_002180.3 (MANE Select); coding-DNA position 2355, G replaced by A.
Protein change: p.Arg785=; no amino-acid change (arginine 785 retained).
Molecular consequence: synonymous variant.
Genome position (GRCh38, 1-based): chr11:68,936,835, G>A. VCF-style: chr11-68936835-G-A. GRCh37 (hg19) VCF-style: chr11-68704303-G-A.
Other names: p.Arg785=.
Identifiers: ClinVar variation 305853 (VCV000305853.94), dbSNP rs147954772, ClinGen allele CA6153887.
Genomic context (GRCh38, chr11:68,936,835, plus strand): 5'-CGGGCTGAGGCACGACAGTTCCGGGGAAGGGAAGAGGAGGTTCATCACTGTGAGCAAGAG[G>A]GCCCCGCGACCCCGAGCAGCCCTGGGACCCCCAGCAGGGACCGGTGGCCCAGCCCCTCTC-3'
Protein context (NP_002171.2, residues 775-795): GKRRFITVSK[Arg785=]APRPRAALGP

ClinVar aggregate classification (germline): Conflicting classifications of pathogenicity. Review status: criteria provided, conflicting classifications (1 of 4 stars). 10 submissions from 10 submitters: Uncertain significance (1); Likely benign (9). Last evaluated 2026-08-01.

Conditions:
Autosomal recessive distal spinal muscular atrophy 1. Also called: NEURONOPATHY, DISTAL HEREDITARY MOTOR, HARDING TYPE VI; NEUROPATHY, DISTAL HEREDITARY MOTOR, AUTOSOMAL RECESSIVE 1; NEURONOPATHY, SEVERE INFANTILE AXONAL, WITH RESPIRATORY FAILURE; SEVERE INFANTILE AXONAL NEUROPATHY WITH RESPIRATORY FAILURE; SPINAL MUSCULAR ATROPHY, DIAPHRAGMATIC; Spinal muscular atrophy with respiratory distress 1. Identifiers: Orphanet 98920, MedGen C1858517, MONDO:0011436, OMIM 604320.
Charcot-Marie-Tooth disease. Also called: Charcot-Marie-Tooth Neuropathy; Charcot-Marie-Tooth Hereditary Neuropathy. Identifiers: Orphanet 166, MedGen C0007959, MONDO:0015626.
Charcot-Marie-Tooth disease axonal type 2S. Also called: CHARCOT-MARIE-TOOTH NEUROPATHY, TYPE 2S; CHARCOT-MARIE-TOOTH DISEASE, AXONAL, AUTOSOMAL RECESSIVE, TYPE 2S. Identifiers: Orphanet 443073, MedGen C4015349, MONDO:0014511, OMIM 616155.
Inborn genetic diseases. Identifiers: MedGen C0950123, MeSH D030342.

Allele frequency attached by ClinVar (database versions not stated): 1000 Genomes Project 0.00020; 1000 Genomes Project 30x 0.00062; TOPMed 0.00084; gnomAD 0.00088 and 0.00091; ExAC 0.00089; gnomAD exomes 0.00093 and 0.00140; ESP Exome Variant Server 0.00131.

Submissions (10):

CeGaT Center for Human Genetics Tuebingen
Classification: Likely benign. Last evaluated: 2026-08-01. Review status: criteria provided, single submitter. Criteria: CeGaT Center For Human Genetics Tuebingen Variant Classification Criteria Version 2. Collection method: clinical testing. Allele origin: germline. Affected: yes. Observed: 13 variant alleles.
Comment: IGHMBP2: BP4, BP7

Labcorp Genetics (formerly Invitae), Labcorp
Classification: Likely benign for Autosomal recessive distal spinal muscular atrophy 1; Charcot-Marie-Tooth disease axonal type 2S. Last evaluated: 2026-01-28. Review status: criteria provided, single submitter. Criteria: Invitae Variant Classification Sherloc (09022015). Collection method: clinical testing. Allele origin: germline.

Women's Health and Genetics/Laboratory Corporation of America, LabCorp
Classification: Likely benign. Last evaluated: 2025-12-29. Review status: criteria provided, single submitter. Criteria: LabCorp Variant Classification Summary - May 2015. Collection method: clinical testing. Allele origin: germline.

ARUP Laboratories, Molecular Genetics and Genomics, ARUP Laboratories
Classification: Likely benign. Last evaluated: 2025-06-24. Review status: criteria provided, single submitter. Criteria: ARUP Molecular Germline Variant Investigation Process 2024. Collection method: clinical testing. Allele origin: germline.

Blueprint Genetics
Classification: Likely benign. Last evaluated: 2024-11-11. Review status: criteria provided, single submitter. Criteria: ACMG Guidelines, 2015. Collection method: clinical testing. Allele origin: germline.

Mayo Clinic Laboratories, Mayo Clinic
Classification: Likely benign. Last evaluated: 2024-06-13. Review status: criteria provided, single submitter. Criteria: ACMG Guidelines, 2015. Collection method: clinical testing. Allele origin: germline. Observed: 6 variant alleles.
Comment: BS1, BP4, BP7

GeneDx
Classification: Likely benign. Last evaluated: 2021-03-02. Review status: criteria provided, single submitter. Criteria: GeneDx Variant Classification Process June 2021. Collection method: clinical testing. Allele origin: germline. Affected: yes.

Ambry Genetics
Classification: Likely benign for Inborn genetic diseases. Last evaluated: 2019-07-11. Review status: criteria provided, single submitter. Criteria: Ambry Variant Classification Scheme 2023. Collection method: clinical testing. Allele origin: germline.

Illumina Laboratory Services, Illumina
Classification: Uncertain significance for Autosomal recessive distal spinal muscular atrophy 1. Last evaluated: 2018-01-13. Review status: criteria provided, single submitter. Criteria: ICSL Variant Classification Criteria 13 December 2019. Collection method: clinical testing. Allele origin: germline.

Molecular Genetics Laboratory, London Health Sciences Centre
Classification: Likely benign for Charcot-Marie-Tooth disease. Review status: criteria provided, single submitter. Criteria: ACMG Guidelines, 2015. Collection method: clinical testing. Allele origin: germline. Affected: yes.